The following is an entry in ClinVar:

NM_000136.3(FANCC):c.1363G>T (p.Ala455Ser)

Genes: AOPEP (aminopeptidase O (putative); plus strand), FANCC (FA complementation group C; minus strand). Cytogenetic location: 9q22.32.
Variant type: single nucleotide variant.
Coding change: c.1363G>T on transcript NM_000136.3 (MANE Select); coding-DNA position 1363, G replaced by T.
Protein change: p.Ala455Ser; replaces alanine 455 with serine.
Molecular consequence: missense variant.
Genome position (GRCh38, 1-based): chr9:95,107,236, C>A on the plus strand (G>T on the coding strand, the complement: FANCC is on the minus strand). VCF-style: chr9-95107236-C-A. GRCh37 (hg19) VCF-style: chr9-97869518-C-A.
Other names: c.1363G>T, p.Ala455Ser (NM_001243743.2); short protein forms A455S.
Identifiers: ClinVar variation 234582 (VCV000234582.29), dbSNP rs730881724, ClinGen allele CA5137339.

ClinVar aggregate classification (germline): Conflicting classifications of pathogenicity. Review status: criteria provided, conflicting classifications (1 of 4 stars). 9 submissions from 9 submitters: Uncertain significance (7); Likely benign (1). 1 of the submissions does not count toward it. Last evaluated 2025-08-27.

Conditions:
Fanconi anemia (FA). Also called: Fanconi's anemia. Identifiers: Orphanet 84, MedGen C0015625, MeSH D005199, MONDO:0019391.
Fanconi anemia complementation group A (FANCA). Also called: Fanconi anemia, group A; FANCA-Related Fanconi Anemia. Identifiers: Orphanet 84, MedGen C3469521, MONDO:0009215, OMIM 227650.
Fanconi anemia complementation group C (FANCC). Also called: FANCONI PANCYTOPENIA, TYPE 3; FACC; Fanconi anemia, group C; FANCC-Related Fanconi Anemia. Identifiers: Orphanet 84, MedGen C3468041, MONDO:0009213, OMIM 227645.
Hereditary cancer-predisposing syndrome. Also called: Neoplastic Syndromes, Hereditary; Hereditary neoplastic syndrome; Hereditary Cancer Syndrome; Tumor predisposition. Identifiers: Orphanet 140162, MedGen C0027672, MeSH D009386, MONDO:0015356.

Allele frequency attached by ClinVar (database versions not stated): gnomAD exomes 0.00001 and 0.00002; ExAC 0.00003; gnomAD 0.00003; TOPMed 0.00010.
gnomAD v4.1: 27 of 1,613,950 alleles (0.0017%); highest among the groups gnomAD compares: Admixed American, 0.0083%; no homozygotes.

Submissions (9):

GeneDx
Classification: Uncertain significance. Last evaluated: 2025-08-27. Review status: criteria provided, single submitter. Criteria: GeneDx Variant Classification Process June 2021. Collection method: clinical testing. Allele origin: germline. Affected: yes.
Comment: Not observed at significant frequency in large population cohorts (gnomAD); In silico analysis suggests that this missense variant does not alter protein structure/function; This variant is associated with the following publications: (PMID: 33471991)

Quest Diagnostics Nichols Institute San Juan Capistrano
Classification: Uncertain significance. Last evaluated: 2025-02-07. Review status: criteria provided, single submitter. Criteria: Quest Diagnostics criteria. Collection method: clinical testing. Allele origin: unknown.
Comment: The FANCC c.1363G>T (p.Ala455Ser) variant has been reported in the published literature in individuals affected with breast cancer as well as in reportedly healthy individuals in a large scale breast cancer association study (PMID: 33471991 (2021), see also LOVD). The frequency of this variant in the general population (Genome Aggregation Database) is uninformative in the assessment of its pathogenicity. Analysis of this variant using bioinformatics tools for the prediction of the effect of amino acid changes on protein structure and function yielded predictions that this variant is benign. Based on the available information, we are unable to determine the clinical significance of this variant.

Labcorp Genetics (formerly Invitae), Labcorp
Classification: Uncertain significance for Fanconi anemia. Last evaluated: 2024-12-29. Review status: criteria provided, single submitter. Criteria: Invitae Variant Classification Sherloc (09022015). Collection method: clinical testing. Allele origin: germline.
Comment: This sequence change replaces alanine, which is neutral and non-polar, with serine, which is neutral and polar, at codon 455 of the FANCC protein (p.Ala455Ser). This variant is present in population databases (rs730881724, gnomAD 0.007%). This variant has not been reported in the literature in individuals affected with FANCC-related conditions. ClinVar contains an entry for this variant (Variation ID: 234582). Invitae Evidence Modeling of protein sequence and biophysical properties (such as structural, functional, and spatial information, amino acid conservation, physicochemical variation, residue mobility, and thermodynamic stability) indicates that this missense variant is not expected to disrupt FANCC protein function with a negative predictive value of 80%. In summary, the available evidence is currently insufficient to determine the role of this variant in disease. Therefore, it has been classified as a Variant of Uncertain Significance.

Ambry Genetics
Classification: Likely benign for Hereditary cancer-predisposing syndrome. Last evaluated: 2024-03-25. Review status: criteria provided, single submitter. Criteria: Ambry Variant Classification Scheme 2023. Collection method: clinical testing. Allele origin: germline.

Blueprint Genetics
Classification: Uncertain significance. Last evaluated: 2022-08-26. Review status: criteria provided, single submitter. Criteria: ACMG Guidelines, 2015. Collection method: clinical testing. Allele origin: germline.

Fulgent Genetics
Classification: Uncertain significance for Fanconi anemia complementation group C. Last evaluated: 2021-10-21. Review status: criteria provided, single submitter. Criteria: ACMG Guidelines, 2015. Collection method: clinical testing. Allele origin: unknown.

Mendelics
Classification: Uncertain significance for Fanconi anemia complementation group A. Last evaluated: 2019-05-28. Review status: criteria provided, single submitter. Criteria: Mendelics Assertion Criteria 2017. Collection method: clinical testing. Allele origin: unknown.

Baylor Genetics
Classification: Uncertain significance for Fanconi anemia complementation group C. Last evaluated: 2019-04-10. Review status: criteria provided, single submitter. Criteria: ACMG Guidelines, 2015. Collection method: clinical testing. Allele origin: maternal. Affected: yes.
Comment: This variant was determined to be of uncertain significance according to ACMG Guidelines, 2015 [PMID:25741868].

Natera, Inc.
Classification: Uncertain significance for Fanconi anemia. Last evaluated: 2019-01-15. Review status: no assertion criteria provided. Collection method: clinical testing. Allele origin: germline. Not counted in ClinVar's aggregate classification.

Literature cited by the submitters: PubMed 33471991 (cited by Quest Diagnostics Nichols Institute San Juan Capistrano).